The following is an entry in ClinVar:

ClinVar aggregate classification (germline): Likely pathogenic (1 of 4 stars; one submission).

Conditions:
Autosomal recessive limb-girdle muscular dystrophy type R18 (LGMDR18). Also called: Limb-girdle muscular dystrophy, type 2S; MUSCULAR DYSTROPHY, LIMB-GIRDLE, AUTOSOMAL RECESSIVE 18; Autosomal recessive limb-girdle muscular dystrophy type 2S. Identifiers: Orphanet 369840, MedGen C4517996, MONDO:0014144, OMIM 615356.

Submission:

Labcorp Genetics (formerly Invitae), Labcorp
Classification: Likely pathogenic for Autosomal recessive limb-girdle muscular dystrophy type R18. Last evaluated: 2022-11-15. Review status: criteria provided, single submitter. Criteria: Invitae Variant Classification Sherloc (09022015). Collection method: clinical testing. Allele origin: germline.
Comment: In summary, the currently available evidence indicates that the variant is pathogenic, but additional data are needed to prove that conclusively. Therefore, this variant has been classified as Likely Pathogenic. Algorithms developed to predict the effect of sequence changes on RNA splicing suggest that this variant may disrupt the consensus splice site. ClinVar contains an entry for this variant (Variation ID: 541345). This variant has not been reported in the literature in individuals affected with TRAPPC11-related conditions. This variant is not present in population databases (gnomAD no frequency). This sequence change affects an acceptor splice site in intron 7 of the TRAPPC11 gene. It is expected to disrupt RNA splicing. Variants that disrupt the donor or acceptor splice site typically lead to a loss of protein function (PMID: 16199547), and loss-of-function variants in TRAPPC11 are known to be pathogenic (PMID: 23830518, 26322222).

Literature cited by the submitters: PubMed 16199547; PubMed 23830518; PubMed 26322222.

NM_021942.6(TRAPPC11):c.735-2A>G

Gene: TRAPPC11 (trafficking protein particle complex subunit 11; plus strand). Cytogenetic location: 4q35.1.
Variant type: single nucleotide variant.
Coding change: c.735-2A>G on transcript NM_021942.6 (MANE Select); the canonical splice acceptor site of the intron before coding-DNA position 735, A replaced by G.
Molecular consequence: splice acceptor variant.
Genome position (GRCh38, 1-based): chr4:183,677,456, A>G. VCF-style: chr4-183677456-A-G. GRCh37 (hg19) VCF-style: chr4-184598609-A-G.
Other names: c.735-2A>G (NM_199053.3).
Identifiers: ClinVar variation 541345 (VCV000541345.7), dbSNP rs1554007706, ClinGen allele CA358861774.